The following is an entry in ClinVar:

ClinVar aggregate classification (germline): Uncertain significance (1 of 4 stars; one submission).

Conditions:
Emery-Dreifuss muscular dystrophy 5, autosomal dominant (EDMD5). Also called: EMERY-DREIFUSS MUSCULAR DYSTROPHY 5. Identifiers: Orphanet 261, MedGen C2751805, MONDO:0013072, OMIM 612999.

Allele frequency attached by ClinVar (database versions not stated): gnomAD exomes below 0.00001; gnomAD 0.00001.
gnomAD v4.1: 2 of 1,614,108 alleles (0.00012%); highest among the groups gnomAD compares: African/African-American, 0.0013%; no homozygotes.

Submission:

Labcorp Genetics (formerly Invitae), Labcorp
Classification: Uncertain significance for Emery-Dreifuss muscular dystrophy 5, autosomal dominant. Last evaluated: 2019-08-23. Review status: criteria provided, single submitter. Criteria: Invitae Variant Classification Sherloc (09022015). Collection method: clinical testing. Allele origin: germline.
Comment: This sequence change replaces aspartic acid with asparagine at codon 5129 of the SYNE2 protein (p.Asp5129Asn). The aspartic acid residue is moderately conserved and there is a small physicochemical difference between aspartic acid and asparagine. This variant is not present in population databases (ExAC no frequency) and has not been reported in the literature in individuals with a SYNE2-related disease. Algorithms developed to predict the effect of missense changes on protein structure and function do not agree on the potential impact of this missense change (SIFT: "Tolerated"; PolyPhen-2: "Possibly Damaging"; Align-GVGD: "Class C0"). In summary, this variant is a novel missense change with uncertain impact on protein function. It has been classified as a Variant of Uncertain Significance.

NM_182914.3(SYNE2):c.15385G>A (p.Asp5129Asn)

Gene: SYNE2 (spectrin repeat containing nuclear envelope protein 2; plus strand). Cytogenetic location: 14q23.2.
Variant type: single nucleotide variant.
Coding change: c.15385G>A on transcript NM_182914.3 (MANE Select); coding-DNA position 15385, G replaced by A.
Protein change: p.Asp5129Asn; replaces aspartic acid 5129 with asparagine.
Molecular consequence: missense variant.
Genome position (GRCh38, 1-based): chr14:64,143,850, G>A. VCF-style: chr14-64143850-G-A. GRCh37 (hg19) VCF-style: chr14-64610568-G-A.
Other names: c.15385G>A, p.Asp5129Asn (NM_015180.6); short protein forms D5129N.
Identifiers: ClinVar variation 470940 (VCV000470940.2), dbSNP rs931728993, ClinGen allele CA261814283.